The following is an entry in ClinVar:

NM_004260.4(RECQL4):c.2561C>G (p.Thr854Ser)

Gene: RECQL4 (RecQ like helicase 4; minus strand). Cytogenetic location: 8q24.3.
Variant type: single nucleotide variant.
Coding change: c.2561C>G on transcript NM_004260.4 (MANE Select); coding-DNA position 2561, C replaced by G.
Protein change: p.Thr854Ser; replaces threonine 854 with serine.
Molecular consequence: missense variant.
Genome position (GRCh38, 1-based): chr8:144,513,041, G>C on the plus strand (C>G on the coding strand, the complement: RECQL4 is on the minus strand). VCF-style: chr8-144513041-G-C. GRCh37 (hg19) VCF-style: chr8-145738424-G-C.
Other names: c.2267C>G, p.Thr756Ser (NM_001413017.1); c.2363C>G, p.Thr788Ser (NM_001413018.1); c.2561C>G, p.Thr854Ser (NM_001413019.1, NM_001413036.1); c.2465C>G, p.Thr822Ser (NM_001413020.1); c.1490C>G, p.Thr497Ser (NM_001413021.1, NM_001413022.1, NM_001413023.1 and 5 more transcripts); c.2432C>G, p.Thr811Ser (NM_001413025.1); c.1424C>G, p.Thr475Ser (NM_001413027.1, NM_001413030.1, NM_001413032.1 and 1 more transcripts); c.2210C>G, p.Thr737Ser (NM_001413029.1); and 6 more; short protein forms T497S, T811S, T431S, T453S, T737S, T788S, T810S, T822S.
Identifiers: ClinVar variation 2158746 (VCV002158746.1), dbSNP rs1167531855, ClinGen allele CA372677054.

ClinVar aggregate classification (germline): Uncertain significance (1 of 4 stars; one submission).

Conditions:
Baller-Gerold syndrome (BGS). Also called: CRANIOSYNOSTOSIS WITH RADIAL DEFECTS. Identifiers: Orphanet 1225, MedGen C0265308, MONDO:0009039, OMIM 218600.

Allele frequency attached by ClinVar (database versions not stated): gnomAD 0.00001.
gnomAD v4.1: 3 of 1,577,148 alleles (0.00019%); highest among the groups gnomAD compares: Non-Finnish European, 0.00026%; no homozygotes.

Submission:

Labcorp Genetics (formerly Invitae), Labcorp
Classification: Uncertain significance for Baller-Gerold syndrome. Last evaluated: 2022-04-22. Review status: criteria provided, single submitter. Criteria: Invitae Variant Classification Sherloc (09022015). Collection method: clinical testing. Allele origin: germline.
Comment: This sequence change replaces threonine, which is neutral and polar, with serine, which is neutral and polar, at codon 854 of the RECQL4 protein (p.Thr854Ser). This variant is present in population databases (no rsID available, gnomAD 0.007%). This variant has not been reported in the literature in individuals affected with RECQL4-related conditions. Experimental studies and prediction algorithms are not available or were not evaluated, and the functional significance of this variant is currently unknown. In summary, the available evidence is currently insufficient to determine the role of this variant in disease. Therefore, it has been classified as a Variant of Uncertain Significance.